The following is an entry in ClinVar:

ClinVar aggregate classification (germline): Likely pathogenic. Review status: criteria provided, multiple submitters, no conflicts (2 of 4 stars). 2 submissions from 2 submitters: Likely pathogenic (2). Last evaluated 2025-10-21.

Conditions:
PI4KA-related disorder. Also called: PI4KA-related condition; PI4KA-related disorders. Identifiers: MedGen CN378147, MONDO:1040012.

Allele frequency attached by ClinVar (database versions not stated): gnomAD 0.00001; ExAC 0.00005.
gnomAD v4.1: 14 of 1,614,026 alleles (0.00087%); highest among the groups gnomAD compares: Non-Finnish European, 0.00093%; no homozygotes.

Submissions (2):

PreventionGenetics, part of Exact Sciences
Classification: Likely pathogenic for PI4KA-related condition. Last evaluated: 2025-10-21. Review status: criteria provided, single submitter. Criteria: ACMG Guidelines, 2015. Collection method: clinical testing. Allele origin: germline.
Comment: The PI4KA c.1687G>T variant is predicted to result in premature protein termination (p.Glu563*). To our knowledge, this variant has not been reported in the literature. This variant is reported in 0.0053% of alleles in individuals of European (Non-Finnish) descent in gnomAD. Nonsense variants in PI4KA are expected to be pathogenic. This variant is interpreted as likely pathogenic.

Women's Health and Genetics/Laboratory Corporation of America, LabCorp
Classification: Likely pathogenic for PI4KA-Related Disorders. Last evaluated: 2022-11-04. Review status: criteria provided, single submitter. Criteria: LabCorp Variant Classification Summary - May 2015. Collection method: clinical testing. Allele origin: germline.
Comment: Variant summary: PI4KA c.1687G>T (p.Glu563X) results in a premature termination codon, predicted to cause a truncation of the encoded protein or absence of the protein due to nonsense mediated decay, which are commonly known mechanisms for disease. Truncations downstream of this position have been classified as pathogenic in ClinVar. The variant allele was found at a frequency of 2.8e-05 in 251468 control chromosomes (gnomAD). To our knowledge, no occurrence of c.1687G>T in individuals affected with PI4KA-Related Disorders and no experimental evidence demonstrating its impact on protein function have been reported. No clinical diagnostic laboratories have submitted clinical-significance assessments for this variant to ClinVar after 2014. Based on the evidence outlined above, the variant was classified as likely pathogenic.

NM_058004.4(PI4KA):c.1687G>T (p.Glu563Ter)

Gene: PI4KA (phosphatidylinositol 4-kinase alpha; minus strand). Cytogenetic location: 22q11.21.
Variant type: single nucleotide variant.
Coding change: c.1687G>T on transcript NM_058004.4 (MANE Select); coding-DNA position 1687, G replaced by T.
Protein change: p.Glu563Ter; replaces glutamic acid 563 with a stop codon.
Molecular consequence: nonsense.
Genome position (GRCh38, 1-based): chr22:20,802,010, C>A on the plus strand (G>T on the coding strand, the complement: PI4KA is on the minus strand). VCF-style: chr22-20802010-C-A. GRCh37 (hg19) VCF-style: chr22-21156298-C-A.
Other names: c.1687G>T, p.Glu563Ter (NM_001362862.2); c.1621G>T, p.Glu541Ter (NM_001362863.2); short protein forms E541*, E563*.
Identifiers: ClinVar variation 1804845 (VCV001804845.2), dbSNP rs762036318, ClinGen allele CA10116379.